The following is an entry in ClinVar:

NC_000011.9:g.(118971849_118972204)_(118972786_?)del

Gene: DPAGT1 (dolichyl-phosphate N-acetylglucosaminephosphotransferase 1; minus strand). Cytogenetic location: 11q23.3.
Variant type: Deletion.
Identifiers: ClinVar variation 2445686 (VCV002445686.1).

ClinVar aggregate classification (germline): Likely pathogenic (1 of 4 stars; one submission).

Conditions:
DPAGT1-congenital disorder of glycosylation. Also called: CONGENITAL DISORDER OF GLYCOSYLATION, TYPE Ij; CDG Ij; DPAGT1-CDG. Identifiers: Orphanet 86309, MedGen C2931004, MONDO:0011964, OMIM 608093.

Submission:

Women's Health and Genetics/Laboratory Corporation of America, LabCorp
Classification: Likely pathogenic for DPAGT1-congenital disorder of glycosylation. Last evaluated: 2023-02-27. Review status: criteria provided, single submitter. Criteria: LabCorp Variant Classification Summary - May 2015. Collection method: clinical testing. Allele origin: germline.
Comment: Variant summary: The variant identified by MLPA or other technology involves the deletion of exon 1 in the DPAGT1 gene. A presumed nomenclature of c.(?_-421)_(161+1_162-1)del has been designated for the purposes of this classification. Although exact breakpoints of this deletion are not known, it is expected to remove the initiation codon and is predicted to result either in absence of the protein or truncation of the encoded protein due to translation initiation at a downstream site. An alternative downstream in-frame start codon (p.Met108) is located in exon 3 of the encoded protein. The variant was absent in 21694 control chromosomes (gnomAD, structural variants data set). To our knowledge, no occurrence of c.(?_-421)_(161+1_162-1)del in individuals affected with Congenital Disorder Of Glycosylation Type 1J and no experimental evidence demonstrating its impact on protein function have been reported. No clinical diagnostic laboratories have submitted clinical-significance assessments for this variant to ClinVar after 2014. Two other start loss variants (c.1A>C and c.2T>C) have been classified pathogenic in ClinVar (ClinVar IDs: 381709, and 996710). Based on the evidence outlined above, the variant was classified as likely pathogenic.